The following is an entry in ClinVar:

ClinVar aggregate classification (germline): Uncertain significance (1 of 4 stars; one submission).

Conditions:
Hyper-IgM syndrome type 5 (HIGM5). Also called: Hyper-IgM Immunodeficiency Syndrome, Type 5. Identifiers: Orphanet 101092, MedGen C1720958, MONDO:0011971, OMIM 608106.

Allele frequency attached by ClinVar (database versions not stated): 1000 Genomes Project 30x 0.00016; 1000 Genomes Project 0.00020.
gnomAD v4.1: 6 of 1,614,128 alleles (0.00037%); highest among the groups gnomAD compares: African/African-American, 0.0027%; no homozygotes.

Submission:

Labcorp Genetics (formerly Invitae), Labcorp
Classification: Uncertain significance for Hyper-IgM syndrome type 5. Last evaluated: 2022-04-04. Review status: criteria provided, single submitter. Criteria: Invitae Variant Classification Sherloc (09022015). Collection method: clinical testing. Allele origin: germline.
Comment: This sequence change affects codon 133 of the UNG mRNA. It is a 'silent' change, meaning that it does not change the encoded amino acid sequence of the UNG protein. This variant is present in population databases (rs576044400, gnomAD 0.004%). This variant has not been reported in the literature in individuals affected with UNG-related conditions. Algorithms developed to predict the effect of sequence changes on RNA splicing suggest that this variant may disrupt the consensus splice site. In summary, the available evidence is currently insufficient to determine the role of this variant in disease. Therefore, it has been classified as a Variant of Uncertain Significance.

NM_080911.3(UNG):c.399A>G (p.Gln133=)

Gene: UNG (uracil DNA glycosylase; plus strand). Cytogenetic location: 12q24.11.
Variant type: single nucleotide variant.
Coding change: c.399A>G on transcript NM_080911.3 (MANE Select); coding-DNA position 399, A replaced by G.
Protein change: p.Gln133=; no amino-acid change (glutamine 133 retained).
Molecular consequence: synonymous variant.
Genome position (GRCh38, 1-based): chr12:109,099,248, A>G. VCF-style: chr12-109099248-A-G. GRCh37 (hg19) VCF-style: chr12-109537053-A-G.
Other names: c.372A>G, p.Gln124= (NM_003362.4).
Identifiers: ClinVar variation 1390616 (VCV001390616.5), dbSNP rs576044400, ClinGen allele CA6772599.